The following is an entry in ClinVar:

ClinVar aggregate classification (germline): Conflicting classifications of pathogenicity. Review status: criteria provided, conflicting classifications (1 of 4 stars). 6 submissions from 6 submitters: Uncertain significance (5); Likely benign (1). Last evaluated 2026-04-17.

Conditions:
COL9A3-related disorder. Also called: COL9A3-related condition.

Allele frequency attached by ClinVar (database versions not stated): gnomAD 0.00004 and 0.00007; gnomAD exomes 0.00005 and 0.00006; ExAC 0.00008; TOPMed 0.00012; 1000 Genomes Project 0.00060; 1000 Genomes Project 30x 0.00078.
gnomAD v4.1: 103 of 1,613,802 alleles (0.0064%); highest among the groups gnomAD compares: Middle Eastern, 0.099%; no homozygotes.

Submissions (6):

PreventionGenetics, part of Exact Sciences
Classification: Uncertain significance for COL9A3-related condition. Last evaluated: 2026-04-17. Review status: criteria provided, single submitter. Criteria: ACMG Guidelines, 2015. Collection method: clinical testing. Allele origin: germline.
Comment: The COL9A3 c.1538C>T variant is predicted to result in the amino acid substitution p.Pro513Leu. This variant was reported in an individual with connective tissue disorder (Patient 19, Table 3, Steinle et al. 2022. PubMed ID: 35903967). This variant is reported in 0.015% of alleles in individuals of East Asian descent in gnomAD. At this time, the clinical significance of this variant is uncertain due to the absence of conclusive functional and genetic evidence.

Labcorp Genetics (formerly Invitae), Labcorp
Classification: Likely benign. Last evaluated: 2026-01-26. Review status: criteria provided, single submitter. Criteria: Invitae Variant Classification Sherloc (09022015). Collection method: clinical testing. Allele origin: germline.

Blueprint Genetics
Classification: Uncertain significance. Last evaluated: 2024-11-26. Review status: criteria provided, single submitter. Criteria: ACMG Guidelines, 2015. Collection method: clinical testing. Allele origin: germline.

Athena Diagnostics
Classification: Uncertain significance. Last evaluated: 2020-03-31. Review status: criteria provided, single submitter. Criteria: Athena Diagnostics Criteria. Collection method: clinical testing. Allele origin: unknown.

Women's Health and Genetics/Laboratory Corporation of America, LabCorp
Classification: Uncertain significance. Last evaluated: 2020-02-19. Review status: criteria provided, single submitter. Criteria: LabCorp Variant Classification Summary - May 2015. Collection method: clinical testing. Allele origin: germline.
Comment: Variant summary: COL9A3 c.1538C>T (p.Pro513Leu) results in a non-conservative amino acid change located in the Collagen triple helix repeat (IPR008160) of the encoded protein sequence. Four of five in-silico tools predict a damaging effect of the variant on protein function. The variant allele was found at a frequency of 6e-05 in 249484 control chromosomes (gnomAD). To our knowledge, no occurrence of c.1538C>T in individuals affected with Multiple epiphyseal dysplasia 3 and no experimental evidence demonstrating its impact on protein function have been reported. One ClinVar submitter (evaluation after 2014) cites the variant as uncertain significance. Based on the evidence outlined above, the variant was classified as uncertain significance.

Eurofins Ntd Llc (ga)
Classification: Uncertain significance. Last evaluated: 2017-04-17. Review status: criteria provided, single submitter. Criteria: EGL Classification Definitions 2015. Collection method: clinical testing. Allele origin: germline. Observed: 2 variant alleles, 2 heterozygotes.

NM_001853.4(COL9A3):c.1538C>T (p.Pro513Leu)

Genes: COL9A3 (collagen type IX alpha 3 chain; plus strand), LOC126863084 (MED14-independent group 3 enhancer GRCh37_chr20:61467141-61468340; plus strand). Cytogenetic location: 20q13.33.
Variant type: single nucleotide variant.
Coding change: c.1538C>T on transcript NM_001853.4 (MANE Select); coding-DNA position 1538, C replaced by T.
Protein change: p.Pro513Leu; replaces proline 513 with leucine.
Molecular consequence: missense variant.
Genome position (GRCh38, 1-based): chr20:62,836,323, C>T. VCF-style: chr20-62836323-C-T. GRCh37 (hg19) VCF-style: chr20-61467675-C-T.
Other names: c.1538C>T, p.Pro513Leu (LRG_1253t1); short protein forms P513L.
Identifiers: ClinVar variation 501225 (VCV000501225.19), dbSNP rs202094480, ClinGen allele CA9950016.